The following is an entry in ClinVar:

NM_007078.3(LDB3):c.1438G>A (p.Gly480Ser)

Gene: LDB3 (LIM domain binding 3; plus strand). Cytogenetic location: 10q23.2.
Variant type: single nucleotide variant.
Coding change: c.1438G>A on transcript NM_007078.3 (MANE Select); coding-DNA position 1438, G replaced by A.
Protein change: p.Gly480Ser; replaces glycine 480 with serine.
Molecular consequence: missense variant.
Genome position (GRCh38, 1-based): chr10:86,716,533, G>A. VCF-style: chr10-86716533-G-A. GRCh37 (hg19) VCF-style: chr10-88476290-G-A.
Other names: c.1108G>A, p.Gly370Ser (NM_001080114.2); c.1453G>A, p.Gly485Ser (NM_001171610.2); c.1249G>A, p.Gly417Ser (NM_001368064.1, NM_001368065.1); c.1297G>A, p.Gly433Ser (NM_001368066.1); short protein forms G370S, G417S, G433S, G480S, G485S.
Identifiers: ClinVar variation 3225979 (VCV003225979.5), dbSNP rs777364128, ClinGen allele CA5585161.

ClinVar aggregate classification (germline): Uncertain significance. Review status: criteria provided, multiple submitters, no conflicts (2 of 4 stars). 4 submissions from 4 submitters: Uncertain significance (4). Last evaluated 2024-04-12.

Conditions:
Cardiovascular phenotype. Identifiers: MedGen CN230736.
Myofibrillar myopathy 4. Also called: Zaspopathy (type). Identifiers: Orphanet 98912, MedGen C4721886, MONDO:0012277, OMIM 609452.
Hypertrophic cardiomyopathy 4. Also called: Familial hypertrophic cardiomyopathy 4. Identifiers: MedGen C1861862, MONDO:0007268, OMIM 115197.

Allele frequency attached by ClinVar (database versions not stated): ExAC 0.00001; gnomAD 0.00001.
gnomAD v4.1: 10 of 1,612,960 alleles (0.00062%); highest among the groups gnomAD compares: South Asian, 0.0088%; no homozygotes.

Submissions (4):

Labcorp Genetics (formerly Invitae), Labcorp
Classification: Uncertain significance for Myofibrillar myopathy 4. Last evaluated: 2024-04-12. Review status: criteria provided, single submitter. Criteria: Invitae Variant Classification Sherloc (09022015). Collection method: clinical testing. Allele origin: germline.
Comment: The LDB3 gene has multiple clinically relevant transcripts. This variant occurs in alternate transcript NM_007078.3, and corresponds to NM_001080116.1:c.*17159G>A in the primary transcript. This sequence change replaces glycine, which is neutral and non-polar, with serine, which is neutral and polar, at codon 480 of the LDB3 protein (p.Gly480Ser). This variant is present in population databases (rs777364128, gnomAD 0.003%). This variant has not been reported in the literature in individuals affected with LDB3-related conditions. Experimental studies and prediction algorithms are not available or were not evaluated, and the functional significance of this variant is currently unknown. In summary, the available evidence is currently insufficient to determine the role of this variant in disease. Therefore, it has been classified as a Variant of Uncertain Significance.

Ambry Genetics
Classification: Uncertain significance for Cardiovascular phenotype. Last evaluated: 2023-09-22. Review status: criteria provided, single submitter. Criteria: Ambry Variant Classification Scheme 2023. Collection method: clinical testing. Allele origin: germline.
Comment: The p.G480S variant (also known as c.1438G>A), located in coding exon 9 of the LDB3 gene, results from a G to A substitution at nucleotide position 1438. The glycine at codon 480 is replaced by serine, an amino acid with similar properties. This amino acid position is conserved. In addition, this alteration is predicted to be tolerated by in silico analysis. Since supporting evidence is limited at this time, the clinical significance of this alteration remains unclear.

Blueprint Genetics
Classification: Uncertain significance. Last evaluated: 2022-02-08. Review status: criteria provided, single submitter. Criteria: ACMG Guidelines, 2015. Collection method: clinical testing. Allele origin: germline.

Neuberg Centre For Genomic Medicine, NCGM
Classification: Uncertain significance for Hypertrophic cardiomyopathy 4. Review status: criteria provided, single submitter. Criteria: ACMG Guidelines, 2015. Collection method: clinical testing. Allele origin: germline. Inheritance: Autosomal dominant inheritance. Affected: yes.
Comment: The missense variant c.1438G>A p.Gly480Ser in the LDB3 gene has not been reported previously as a pathogenic variant nor as a benign variant, to our knowledge. This variant is reported with the allele frequency 0.0008% in the gnomAD Exomes and novel not in any individuals in 1000 Genomes. The amino acid Glycine at position 480 is changed to a Serine changing protein sequence and it might alter its composition and physico-chemical properties. The amino acid change p.Gly480Ser in LDB3 is predicted as conserved by GERP++ and PhyloP across 100 vertebrates. For these reasons, this variant has been classified as Uncertain Significance.